The following is an entry in ClinVar:

NM_182919.4(TICAM1):c.812C>T (p.Pro271Leu)

Gene: TICAM1 (TIR domain containing adaptor molecule 1; minus strand). Cytogenetic location: 19p13.3.
Variant type: single nucleotide variant.
Coding change: c.812C>T on transcript NM_182919.4 (MANE Select); coding-DNA position 812, C replaced by T.
Protein change: p.Pro271Leu; replaces proline 271 with leucine.
Molecular consequence: missense variant.
Genome position (GRCh38, 1-based): chr19:4,817,566, G>A on the plus strand (C>T on the coding strand, the complement: TICAM1 is on the minus strand). VCF-style: chr19-4817566-G-A. GRCh37 (hg19) VCF-style: chr19-4817578-G-A.
Other names: c.812C>T (NM_182919.2); short protein forms P271L.
Identifiers: ClinVar variation 851740 (VCV000851740.9), dbSNP rs767551524, ClinGen allele CA9105272.

ClinVar aggregate classification (germline): Uncertain significance. Review status: criteria provided, multiple submitters, no conflicts (2 of 4 stars). 2 submissions from 2 submitters: Uncertain significance (2). Last evaluated 2025-08-27.

Conditions:
Encephalopathy, acute, infection-induced (herpes-specific), susceptibility to, 6. Also called: Herpes simplex encephalitis, susceptibility to, 4. Identifiers: Orphanet 1930, MedGen C3553869, MONDO:0013921, OMIM 614850.

Allele frequency attached by ClinVar (database versions not stated): gnomAD exomes 0.00004 and 0.00006; gnomAD 0.00004 and 0.00005; ExAC 0.00008; TOPMed 0.00003.
gnomAD v4.1: 63 of 1,612,112 alleles (0.0039%); highest among the groups gnomAD compares: African/African-American, 0.0093%; no homozygotes.

Submissions (2):

Ambry Genetics
Classification: Uncertain significance. Last evaluated: 2025-08-27. Review status: criteria provided, single submitter. Criteria: Ambry Variant Classification Scheme 2023. Collection method: clinical testing. Allele origin: germline.

Labcorp Genetics (formerly Invitae), Labcorp
Classification: Uncertain significance for Encephalopathy, acute, infection-induced (herpes-specific), susceptibility to, 6. Last evaluated: 2024-12-09. Review status: criteria provided, single submitter. Criteria: Invitae Variant Classification Sherloc (09022015). Collection method: clinical testing. Allele origin: germline.
Comment: This sequence change replaces proline, which is neutral and non-polar, with leucine, which is neutral and non-polar, at codon 271 of the TICAM1 protein (p.Pro271Leu). This variant is present in population databases (rs767551524, gnomAD 0.03%). This variant has not been reported in the literature in individuals affected with TICAM1-related conditions. ClinVar contains an entry for this variant (Variation ID: 851740). An algorithm developed to predict the effect of missense changes on protein structure and function outputs the following: PolyPhen-2: "Benign". The leucine amino acid residue is found in multiple mammalian species, which suggests that this missense change does not adversely affect protein function. In summary, the available evidence is currently insufficient to determine the role of this variant in disease. Therefore, it has been classified as a Variant of Uncertain Significance.